The following is an entry in ClinVar:

NM_004453.4(ETFDH):c.1522C>A (p.Pro508Thr)

Gene: ETFDH (electron transfer flavoprotein dehydrogenase; plus strand). Cytogenetic location: 4q32.1.
Variant type: single nucleotide variant.
Coding change: c.1522C>A on transcript NM_004453.4 (MANE Select); coding-DNA position 1522, C replaced by A.
Protein change: p.Pro508Thr; replaces proline 508 with threonine.
Molecular consequence: missense variant.
Genome position (GRCh38, 1-based): chr4:158,706,682, C>A. VCF-style: chr4-158706682-C-A. GRCh37 (hg19) VCF-style: chr4-159627834-C-A.
Other names: c.1381C>A, p.Pro461Thr (NM_001281737.2); c.1339C>A, p.Pro447Thr (NM_001281738.1); short protein forms P447T, P461T, P508T.
Identifiers: ClinVar variation 1069044 (VCV001069044.9), dbSNP rs751394068, ClinGen allele CA3122654.

ClinVar aggregate classification (germline): Pathogenic (1 of 4 stars; one submission).

Conditions:
Multiple acyl-CoA dehydrogenase deficiency (MADD). Also called: Glutaric aciduria, type 2; Glutaric Acidemia type 2; Glutaric acidemia type II; GA 2; ETHYLMALONIC-ADIPICACIDURIA; GA II. Identifiers: Orphanet 26791, MedGen C0268596, MONDO:0009282, OMIM 231680.

Allele frequency attached by ClinVar (database versions not stated): gnomAD exomes below 0.00001; ExAC 0.00001.

Submission:

Labcorp Genetics (formerly Invitae), Labcorp
Classification: Pathogenic for Multiple acyl-CoA dehydrogenase deficiency. Last evaluated: 2020-09-24. Review status: criteria provided, single submitter. Criteria: Invitae Variant Classification Sherloc (09022015). Collection method: clinical testing. Allele origin: germline.
Comment: For these reasons, this variant has been classified as Pathogenic. Advanced modeling of protein sequence and biophysical properties (such as structural, functional, and spatial information, amino acid conservation, physicochemical variation, residue mobility, and thermodynamic stability) performed at Invitae indicates that this missense variant is expected to disrupt ETFDH protein function. This variant has been observed in individual(s) with clinical features of multiple acyl-CoA dehydrogenase deficiency (PMID: 23106979, Invitae). This variant is present in population databases (rs751394068, ExAC 0.001%). This sequence change replaces proline with threonine at codon 508 of the ETFDH protein (p.Pro508Thr). The proline residue is highly conserved and there is a small physicochemical difference between proline and threonine.

Literature cited by the submitters: PubMed 23106979.